The following is an entry in ClinVar:

NM_025265.4(TSEN2):c.631C>T (p.Arg211Ter)

Gene: TSEN2 (tRNA splicing endonuclease subunit 2; plus strand). Cytogenetic location: 3p25.2.
Variant type: single nucleotide variant.
Coding change: c.631C>T on transcript NM_025265.4 (MANE Select); coding-DNA position 631, C replaced by T.
Protein change: p.Arg211Ter; replaces arginine 211 with a stop codon.
Molecular consequence: nonsense. On other transcripts: non-coding transcript variant (1), intron variant (1).
Genome position (GRCh38, 1-based): chr3:12,503,584, C>T. VCF-style: chr3-12503584-C-T. GRCh37 (hg19) VCF-style: chr3-12545083-C-T.
Other names: c.631C>T, p.Arg211Ter (NM_001145392.2, NM_001145393.3, NM_001321277.2 and 2 more transcripts); c.517-63C>T (NM_001145394.2); short protein forms R211*.
Identifiers: ClinVar variation 4855205 (VCV004855205.2).
Genomic context (GRCh38, chr3:12,503,584, plus strand): 5'-GGCTGCCTGCAGGAGGGCTCTGGCTGCCACCCAACAACAGAGAGCTTTGAGAAAAGCGTG[C>T]GAGAGGATGCCTCACCTCTGCCCCATGTCTGTTGCTGCAAACAAGATGCTCTCATCCTCC-3'

ClinVar aggregate classification (germline): Pathogenic (1 of 4 stars; one submission).

Conditions:
Pontocerebellar hypoplasia type 2B (PCH2B). Identifiers: Orphanet 2524, MedGen C2676466, MONDO:0012890, OMIM 612389.

Submission:

3billion
Classification: Pathogenic for Pontocerebellar hypoplasia type 2B. Last evaluated: 2026-01-28. Review status: criteria provided, single submitter. Criteria: ACMG Guidelines, 2015. Collection method: clinical testing. Allele origin: germline. Affected: yes.
Comment: The variant is observed at an extremely low frequency in the gnomAD v4.1.0 dataset (total allele frequency: <0.001%). Predicted Consequence/Location: Stop-gained (nonsense): predicted to result in a loss or disruption of normal protein function through nonsense-mediated decay (NMD) or protein truncation. Multiple pathogenic variants are reported downstream of the variant. The variant has been reported to be associated with TSEN2-related disorder (PMID: 38438125). Therefore, this variant is classified as Pathogenic according to the recommendation of ACMG/AMP guideline.

Literature cited by the submitters: PubMed 38438125.